The following is an entry in ClinVar:

ClinVar aggregate classification (germline): Uncertain significance. Review status: criteria provided, multiple submitters, no conflicts (2 of 4 stars). 3 submissions from 3 submitters: Uncertain significance (3). Last evaluated 2025-01-27.

Conditions:
Joubert syndrome. Also called: JOUBERT-BOLTSHAUSER SYNDROME; Familial aplasia of the vermis. Identifiers: Orphanet 475, MedGen C5979921, MONDO:0018772.
Inborn genetic diseases. Identifiers: MedGen C0950123, MeSH D030342.

Allele frequency attached by ClinVar (database versions not stated): ExAC below 0.00001.
gnomAD v4.1: 14 of 1,605,912 alleles (0.00087%); highest among the groups gnomAD compares: Non-Finnish European, 0.0012%; no homozygotes.

Submissions (3):

Ambry Genetics
Classification: Uncertain significance for Inborn genetic diseases. Last evaluated: 2025-01-27. Review status: criteria provided, single submitter. Criteria: Ambry Variant Classification Scheme 2023. Collection method: clinical testing. Allele origin: germline.

Labcorp Genetics (formerly Invitae), Labcorp
Classification: Uncertain significance for Joubert syndrome. Last evaluated: 2022-11-01. Review status: criteria provided, single submitter. Criteria: Invitae Variant Classification Sherloc (09022015). Collection method: clinical testing. Allele origin: germline.
Comment: This sequence change replaces arginine, which is basic and polar, with glycine, which is neutral and non-polar, at codon 844 of the AHI1 protein (p.Arg844Gly). This variant is present in population databases (rs773787232, gnomAD 0.004%). This variant has not been reported in the literature in individuals affected with AHI1-related conditions. ClinVar contains an entry for this variant (Variation ID: 1007337). Advanced modeling of protein sequence and biophysical properties (such as structural, functional, and spatial information, amino acid conservation, physicochemical variation, residue mobility, and thermodynamic stability) performed at Invitae indicates that this missense variant is expected to disrupt AHI1 protein function. In summary, the available evidence is currently insufficient to determine the role of this variant in disease. Therefore, it has been classified as a Variant of Uncertain Significance.

Blueprint Genetics
Classification: Uncertain significance. Last evaluated: 2022-06-06. Review status: criteria provided, single submitter. Criteria: ACMG Guidelines, 2015. Collection method: clinical testing. Allele origin: germline.

NM_001134831.2(AHI1):c.2530C>G (p.Arg844Gly)

Gene: AHI1 (Abelson helper integration site 1; minus strand). Cytogenetic location: 6q23.3.
Variant type: single nucleotide variant.
Coding change: c.2530C>G on transcript NM_001134831.2 (MANE Select); coding-DNA position 2530, C replaced by G.
Protein change: p.Arg844Gly; replaces arginine 844 with glycine.
Molecular consequence: missense variant.
Genome position (GRCh38, 1-based): chr6:135,428,722, G>C on the plus strand (C>G on the coding strand, the complement: AHI1 is on the minus strand). VCF-style: chr6-135428722-G-C. GRCh37 (hg19) VCF-style: chr6-135749860-G-C.
Other names: c.2530C>G, p.Arg844Gly (NM_001134830.2, NM_001134832.2, NM_001350503.2 and 2 more transcripts); c.2530C>G (NM_017651.4); short protein forms R844G.
Identifiers: ClinVar variation 1007337 (VCV001007337.6), dbSNP rs773787232, ClinGen allele CA4012347.